The following is an entry in ClinVar:

NM_000439.5(PCSK1):c.91T>C (p.Phe31Leu)

Genes: CAST (calpastatin; plus strand), PCSK1 (proprotein convertase subtilisin/kexin type 1; minus strand), LOC101929710 (uncharacterized LOC101929710; plus strand). Cytogenetic location: 5q15.
Variant type: single nucleotide variant.
Coding change: c.91T>C on transcript NM_000439.5 (MANE Select); coding-DNA position 91, T replaced by C.
Protein change: p.Phe31Leu; replaces phenylalanine 31 with leucine.
Molecular consequence: missense variant. On other transcripts: intron variant (11).
Genome position (GRCh38, 1-based): chr5:96,432,952, A>G on the plus strand (T>C on the coding strand, the complement: PCSK1 is on the minus strand). VCF-style: chr5-96432952-A-G. GRCh37 (hg19) VCF-style: chr5-95768656-A-G.
Other names: c.-175+53300A>G (NM_001423254.1, NM_001423259.1, NM_001423255.1 and 6 more transcripts); c.-103+53300A>G (NM_001423253.1); c.-40+53300A>G (NM_001423258.1); short protein forms F31L.
Identifiers: ClinVar variation 4981606 (VCV004981606.1).

ClinVar aggregate classification (germline): Uncertain significance (1 of 4 stars; one submission).

Conditions:
PCSK1-related disorder. Also called: PCSK1-related condition.

gnomAD v4.1: 2 of 1,614,228 alleles (0.00012%); highest among the groups gnomAD compares: Non-Finnish European, 0.00017%; no homozygotes.

Submission:

PreventionGenetics, part of Exact Sciences
Classification: Uncertain significance for PCSK1-related condition. Last evaluated: 2026-02-06. Review status: criteria provided, single submitter. Criteria: ACMG Guidelines, 2015. Collection method: clinical testing. Allele origin: germline.
Comment: The PCSK1 c.91T>C variant is predicted to result in the amino acid substitution p.Phe31Leu. This variant was observed in a cohort of obese individuals, and in vitro functional studies show moderate evidence of loss of function (Supplemental Data Set, Shah et al. 2023. PubMed ID: 36864747). This variant is reported in 0.00088% of alleles in individuals of European (non-Finnish) descent in gnomAD. Although we suspect that this variant may be pathogenic, at this time, the clinical significance of this variant is uncertain due to the absence of conclusive functional and genetic evidence.